The following is an entry in ClinVar:

ClinVar aggregate classification (germline): Uncertain significance (1 of 4 stars; one submission).

Conditions:
Inborn genetic diseases. Identifiers: MedGen C0950123, MeSH D030342.

Submission:

Ambry Genetics
Classification: Uncertain significance for Inborn genetic diseases. Last evaluated: 2025-09-29. Review status: criteria provided, single submitter. Criteria: Ambry Variant Classification Scheme 2023. Collection method: clinical testing. Allele origin: germline.
Comment: The p.I747V variant (also known as c.2239A>G), located in coding exon 19 of the KDM1A gene, results from an A to G substitution at nucleotide position 2239. The isoleucine at codon 747 is replaced by valine, an amino acid with highly similar properties. This amino acid position is conserved. In addition, the in silico prediction for this alteration is inconclusive. Based on the available evidence, the clinical significance of this variant remains unclear.

NM_001009999.3(KDM1A):c.2239A>G (p.Ile747Val)

Gene: KDM1A (lysine demethylase 1A; plus strand). Cytogenetic location: 1p36.12.
Variant type: single nucleotide variant.
Coding change: c.2239A>G on transcript NM_001009999.3 (MANE Select); coding-DNA position 2239, A replaced by G.
Protein change: p.Ile747Val; replaces isoleucine 747 with valine.
Molecular consequence: missense variant.
Genome position (GRCh38, 1-based): chr1:23,081,514, A>G. VCF-style: chr1-23081514-A-G. GRCh37 (hg19) VCF-style: chr1-23408007-A-G.
Other names: c.2185A>G, p.Ile729Val (NM_001363654.2); c.2245A>G, p.Ile749Val (NM_001410762.1); c.2167A>G, p.Ile723Val (NM_001410763.1, NM_015013.4); short protein forms I747V, I729V, I723V, I749V.
Identifiers: ClinVar variation 4622655 (VCV004622655.1).
Genomic context (GRCh38, chr1:23,081,514, plus strand): 5'-CTGTTGGCACTAGTGGCAGGAGAAGCTGCTGGTATCATGGAAAACATAAGTGACGATGTG[A>G]TTGTTGGCCGATGCCTGGCCATTCTCAAAGGGATTTTTGGTAGCAGTGCAGTACCTCAGG-3'
Protein context (NP_001009999.1, residues 737-757): GIMENISDDV[Ile747Val]VGRCLAILKG